The following is an entry in ClinVar:

NM_022124.6(CDH23):c.3196T>A (p.Tyr1066Asn)

Gene: CDH23 (cadherin related 23; plus strand). Cytogenetic location: 10q22.1.
Variant type: single nucleotide variant.
Coding change: c.3196T>A on transcript NM_022124.6 (MANE Select); coding-DNA position 3196, T replaced by A.
Protein change: p.Tyr1066Asn; replaces tyrosine 1066 with asparagine.
Molecular consequence: missense variant.
Genome position (GRCh38, 1-based): chr10:71,709,187, T>A. VCF-style: chr10-71709187-T-A. GRCh37 (hg19) VCF-style: chr10-73468944-T-A.
Other names: c.3196T>A, p.Tyr1066Asn (NM_001171930.2); short protein forms Y1066N.
Identifiers: ClinVar variation 5007735 (VCV005007735.2).

ClinVar aggregate classification (germline): Uncertain significance (1 of 4 stars; one submission).

Conditions:
Pituitary adenoma 5, multiple types. Identifiers: MedGen C4539685, MONDO:0054601, OMIM 617540.
Usher syndrome type 1D (USH1D). Also called: USHER SYNDROME, TYPE ID. Identifiers: Orphanet 231169, Orphanet 886, MedGen C1832845, MONDO:0010984, OMIM 601067.
Autosomal recessive nonsyndromic hearing loss 12. Also called: DEAFNESS, AUTOSOMAL RECESSIVE 12. Identifiers: Orphanet 90636, MedGen C1832394, MONDO:0011067, OMIM 601386.

Submission:

Juno Genomics, Hangzhou Juno Genomics, Inc
Classification: Uncertain significance for Usher syndrome type 1D; Pituitary adenoma 5, multiple types; Autosomal recessive nonsyndromic hearing loss 12. Review status: criteria provided, single submitter. Criteria: ACMG Guidelines, 2015. Collection method: clinical testing. Allele origin: germline.
Comment: Absent from controls (or at extremely low frequency if recessive) in Genome Aggregation Database.;Multiple lines of computational evidence support a deleterious effect on the gene or gene product.